The following is an entry in ClinVar:

ClinVar aggregate classification (germline): Likely benign. Review status: criteria provided, single submitter (1 of 4 stars). 2 submissions from 2 submitters: Likely benign (1). 1 of the submissions does not count toward it. Last evaluated 2025-10-28.

Conditions:
Epidermolysis bullosa simplex 5B, with muscular dystrophy (EBS5B). Also called: EPIDERMOLYSIS BULLOSA SIMPLEX AND LIMB-GIRDLE MUSCULAR DYSTROPHY; Epidermolysis bullosa simplex with muscular dystrophy. Identifiers: Orphanet 257, MedGen C2931072, MONDO:0009181, OMIM 226670.
Epidermolysis bullosa simplex, Ogna type (EBS5A). Also called: Pidermolysis bullosa simplex 5A, Ogna type; EPIDERMOLYSIS BULLOSA SIMPLEX 5A, OGNA TYPE. Identifiers: Orphanet 79401, MedGen C0432317, MONDO:0007555, OMIM 131950.
Epidermolysis bullosa simplex 5C, with pyloric atresia (EBS5C). Also called: PLEC-Related Epidermolysis Bullosa with Pyloric Atresia; Epidermolysis bullosa simplex with pyloric atresia; PLEC1-Related Epidermolysis Bullosa with Pyloric Atresia. Identifiers: Orphanet 158684, MedGen C2677349, MONDO:0012807, OMIM 612138.
Autosomal recessive limb-girdle muscular dystrophy type 2Q (LGMDR17). Also called: MUSCULAR DYSTROPHY, LIMB-GIRDLE, AUTOSOMAL RECESSIVE 17. Identifiers: Orphanet 254361, MedGen C3150989, MONDO:0013390, OMIM 613723.
Epidermolysis bullosa simplex with nail dystrophy (EBS5D). Identifiers: MedGen C4225309, MONDO:0014661, OMIM 616487.
PLEC-related disorder. Also called: PLEC-related condition; PLEC-related disorders.

Submissions (2):

Labcorp Genetics (formerly Invitae), Labcorp
Classification: Likely benign for Autosomal recessive limb-girdle muscular dystrophy type 2Q; Epidermolysis bullosa simplex, Ogna type; Epidermolysis bullosa simplex with nail dystrophy; Epidermolysis bullosa simplex 5C, with pyloric atresia; Epidermolysis bullosa simplex 5B, with muscular dystrophy. Last evaluated: 2025-10-28. Review status: criteria provided, single submitter. Criteria: Invitae Variant Classification Sherloc (09022015). Collection method: clinical testing. Allele origin: germline.

PreventionGenetics, part of Exact Sciences
Classification: Likely benign for PLEC-related condition. Last evaluated: 2024-06-04. Review status: no assertion criteria provided. Collection method: clinical testing. Allele origin: germline. Not counted in ClinVar's aggregate classification.
Comment: This variant is classified as likely benign based on ACMG/AMP sequence variant interpretation guidelines (Richards et al. 2015 PMID: 25741868, with internal and published modifications).

NM_201384.3(PLEC):c.6357G>A (p.Gln2119=)

Gene: PLEC (plectin; minus strand). Cytogenetic location: 8q24.3.
Variant type: single nucleotide variant.
Coding change: c.6357G>A on transcript NM_201384.3 (MANE Select); coding-DNA position 6357, G replaced by A.
Protein change: p.Gln2119=; no amino-acid change (glutamine 2119 retained).
Molecular consequence: synonymous variant. On other transcripts: intron variant (1).
Genome position (GRCh38, 1-based): chr8:143,923,572, C>T on the plus strand (G>A on the coding strand, the complement: PLEC is on the minus strand). VCF-style: chr8-143923572-C-T. GRCh37 (hg19) VCF-style: chr8-144997740-C-T.
Other names: c.6438G>A, p.Gln2146= (NM_000445.5); c.6315G>A, p.Gln2105= (NM_201378.4); c.6291G>A, p.Gln2097= (NM_201379.3); c.6768G>A, p.Gln2256= (NM_201380.4); c.6261G>A, p.Gln2087= (NM_201381.3); c.6357G>A, p.Gln2119= (NM_201382.4); c.6369G>A, p.Gln2123= (NM_201383.3); c.4126-1177G>A (NM_001410941.1).
Identifiers: ClinVar variation 3354457 (VCV003354457.2).